The following is an entry in ClinVar:

ClinVar aggregate classification (germline): Uncertain significance (1 of 4 stars; one submission).

Submission:

GeneDx
Classification: Uncertain significance. Last evaluated: 2020-01-16. Review status: criteria provided, single submitter. Criteria: GeneDx Variant Classification Process June 2021. Collection method: clinical testing. Allele origin: germline. Affected: yes.
Comment: Has not been previously published as pathogenic or benign to our knowledge; In silico analysis, which includes protein predictors and evolutionary conservation, supports a deleterious effect; Not observed in large population cohorts (Lek et al., 2016)

NM_020686.6(ABAT):c.616C>T (p.Pro206Ser)

Gene: ABAT (4-aminobutyrate aminotransferase; plus strand). Cytogenetic location: 16p13.2.
Variant type: single nucleotide variant.
Coding change: c.616C>T on transcript NM_020686.6 (MANE Select); coding-DNA position 616, C replaced by T.
Protein change: p.Pro206Ser; replaces proline 206 with serine.
Molecular consequence: missense variant.
Genome position (GRCh38, 1-based): chr16:8,768,205, C>T. VCF-style: chr16-8768205-C-T. GRCh37 (hg19) VCF-style: chr16-8862062-C-T.
Other names: c.616C>T, p.Pro206Ser (NM_000663.5, NM_001127448.2, NM_001386600.1 and 7 more transcripts); c.553C>T, p.Pro185Ser (NM_001386606.1, NM_001386607.1); c.523C>T, p.Pro175Ser (NM_001386608.1); c.481C>T, p.Pro161Ser (NM_001386610.1, NM_001386611.1); c.418C>T, p.Pro140Ser (NM_001386612.1, NM_001386613.1); c.370C>T, p.Pro124Ser (NM_001386614.1); c.712C>T, p.Pro238Ser (NM_001386615.1); short protein forms P124S, P140S, P161S, P175S, P185S, P206S, P238S.
Identifiers: ClinVar variation 1311120 (VCV001311120.2), dbSNP rs2142971411, ClinGen allele CA394688732.
Genomic context (GRCh38, chr16:8,768,205, plus strand): 5'-CCCCCATCCTTACAACTATGACTAATGACTGATATTTCTTGGTTTTAGGCCCCTGGCTGC[C>T]CCGACTACAGCATCCTCTCCTTCATGGGCGCGTTCCATGGGAGGACCATGGGTAAGGAGG-3'
Protein context (NP_065737.2, residues 196-216): TCMINQAPGC[Pro206Ser]DYSILSFMGA